The following is an entry in ClinVar:

NM_001621.5(AHR):c.1070A>C (p.Asn357Thr)

Gene: AHR (aryl hydrocarbon receptor; plus strand). Cytogenetic location: 7p21.1.
Variant type: single nucleotide variant.
Coding change: c.1070A>C on transcript NM_001621.5 (MANE Select); coding-DNA position 1070, A replaced by C.
Protein change: p.Asn357Thr; replaces asparagine 357 with threonine.
Molecular consequence: missense variant.
Genome position (GRCh38, 1-based): chr7:17,335,696, A>C. VCF-style: chr7-17335696-A-C. GRCh37 (hg19) VCF-style: chr7-17375320-A-C.
Other names: short protein forms N357T.
Identifiers: ClinVar variation 1002056 (VCV001002056.8), dbSNP rs145249237, ClinGen allele CA366892778.

ClinVar aggregate classification (germline): Uncertain significance (1 of 4 stars; one submission).

Submission:

Labcorp Genetics (formerly Invitae), Labcorp
Classification: Uncertain significance. Last evaluated: 2022-10-17. Review status: criteria provided, single submitter. Criteria: Invitae Variant Classification Sherloc (09022015). Collection method: clinical testing. Allele origin: germline.
Comment: In summary, the available evidence is currently insufficient to determine the role of this variant in disease. Therefore, it has been classified as a Variant of Uncertain Significance. Algorithms developed to predict the effect of missense changes on protein structure and function (SIFT, PolyPhen-2, Align-GVGD) all suggest that this variant is likely to be tolerated. ClinVar contains an entry for this variant (Variation ID: 1002056). This variant has not been reported in the literature in individuals affected with AHR-related conditions. This variant is not present in population databases (gnomAD no frequency). This sequence change replaces asparagine, which is neutral and polar, with threonine, which is neutral and polar, at codon 357 of the AHR protein (p.Asn357Thr).